The following is an entry in ClinVar:

NM_005529.7(HSPG2):c.5755C>T (p.Arg1919Cys)

Gene: HSPG2 (heparan sulfate proteoglycan 2; minus strand). Cytogenetic location: 1p36.12.
Variant type: single nucleotide variant.
Coding change: c.5755C>T on transcript NM_005529.7 (MANE Select); coding-DNA position 5755, C replaced by T.
Protein change: p.Arg1919Cys; replaces arginine 1919 with cysteine.
Molecular consequence: missense variant.
Genome position (GRCh38, 1-based): chr1:21,855,622, G>A on the plus strand (C>T on the coding strand, the complement: HSPG2 is on the minus strand). VCF-style: chr1-21855622-G-A. GRCh37 (hg19) VCF-style: chr1-22182115-G-A.
Other names: c.5758C>T, p.Arg1920Cys (NM_001291860.2); short protein forms R1919C, R1920C.
Identifiers: ClinVar variation 197547 (VCV000197547.58), dbSNP rs2229474, ClinGen allele CA202951.

ClinVar aggregate classification (germline): Benign/Likely benign. Review status: criteria provided, multiple submitters, no conflicts (2 of 4 stars). 14 submissions from 13 submitters: Benign (10); Likely benign (1). 3 of the submissions do not count toward it. Last evaluated 2026-08-01.

Conditions:
Connective tissue disorder. Also called: Connective tissue disease. Identifiers: MedGen C0009782, MONDO:0003900.
Lethal Kniest-like syndrome (DDSH). Also called: Dyssegmental Dysplasia. Identifiers: Orphanet 1865, MedGen C1857100, MONDO:0009140, OMIM 224410.
Schwartz-Jampel syndrome type 1 (SJS1). Also called: MYOTONIC MYOPATHY, DWARFISM, CHONDRODYSTROPHY, AND OCULAR AND FACIAL ABNORMALITIES; CHONDRODYSTROPHIC MYOTONIA. Identifiers: MedGen C4551479, MONDO:0100435, OMIM 255800.
HSPG2-related disorder. Also called: HSPG2-related condition; HSPG2-related disorders.
Schwartz-Jampel syndrome. Also called: Myotonic myopathy dwarfism chondrodystrophy and ocular and facial abnormalities. Identifiers: Orphanet 800, MedGen C0036391, MONDO:0009717.

Allele frequency attached by ClinVar (database versions not stated): 1000 Genomes Project 0.00200; 1000 Genomes Project 30x 0.00234; TOPMed 0.00516; gnomAD exomes 0.00618 and 0.01032; gnomAD 0.00631 and 0.00657; ESP Exome Variant Server 0.00643; ExAC 0.00858.
gnomAD v4.1: 15,462 of 1,576,754 alleles (0.98%); highest among the groups gnomAD compares: Non-Finnish European, 1.2%; 99 homozygotes.

Submissions (14):

CeGaT Center for Human Genetics Tuebingen
Classification: Benign. Last evaluated: 2026-08-01. Review status: criteria provided, single submitter. Criteria: CeGaT Center For Human Genetics Tuebingen Variant Classification Criteria Version 2. Collection method: clinical testing. Allele origin: germline. Affected: yes. Observed: 11 variant alleles.
Comment: HSPG2: BP4, BS1, BS2

Labcorp Genetics (formerly Invitae), Labcorp
Classification: Benign. Last evaluated: 2026-01-22. Review status: criteria provided, single submitter. Criteria: Invitae Variant Classification Sherloc (09022015). Collection method: clinical testing. Allele origin: germline.

ARUP Laboratories, Molecular Genetics and Genomics, ARUP Laboratories
Classification: Benign. Last evaluated: 2024-12-09. Review status: criteria provided, single submitter. Criteria: ARUP Molecular Germline Variant Investigation Process 2024. Collection method: clinical testing. Allele origin: germline.

Athena Diagnostics
Classification: Benign. Last evaluated: 2023-12-08. Review status: criteria provided, single submitter. Criteria: Athena Diagnostics Criteria. Collection method: clinical testing. Allele origin: unknown.

Genome Diagnostics Laboratory, The Hospital for Sick Children
Classification: Benign for Connective tissue disorder. Last evaluated: 2022-01-25. Review status: criteria provided, single submitter. Criteria: ACMG Guidelines, 2015. Collection method: clinical testing. Allele origin: germline.

Fulgent Genetics
Classification: Likely benign for Lethal Kniest-like syndrome; Schwartz-Jampel syndrome type 1. Last evaluated: 2021-12-30. Review status: criteria provided, single submitter. Criteria: ACMG Guidelines, 2015. Collection method: clinical testing. Allele origin: unknown.

GeneDx
Classification: Benign. Last evaluated: 2020-08-13. Review status: criteria provided, single submitter. Criteria: GeneDx Variant Classification Process June 2021. Collection method: clinical testing. Allele origin: germline. Affected: yes.

Illumina Laboratory Services, Illumina
Classification: Benign for Lethal Kniest-like syndrome. Last evaluated: 2018-01-12. Review status: criteria provided, single submitter. Criteria: ICSL Variant Classification Criteria 13 December 2019. Collection method: clinical testing. Allele origin: germline.
Comment: This variant was observed in the ICSL laboratory as part of a predisposition screen in an ostensibly healthy population. It had not been previously curated by ICSL or reported in the Human Gene Mutation Database (HGMD: prior to June 1st, 2018), and was therefore a candidate for classification through an automated scoring system. Utilizing variant allele frequency, disease prevalence and penetrance estimates, and inheritance mode, an automated score was calculated to assess if this variant is too frequent to cause the disease. Based on the score and internal cut-off values, a variant classified as benign is not then subjected to further curation. The score for this variant resulted in a classification of benign for this disease.

Illumina Laboratory Services, Illumina
Classification: Benign for Schwartz-Jampel syndrome type 1. Last evaluated: 2018-01-12. Review status: criteria provided, single submitter. Criteria: ICSL Variant Classification Criteria 13 December 2019. Collection method: clinical testing. Allele origin: germline.
Comment: the same text as in the submission from Illumina Laboratory Services, Illumina above.

Eurofins Ntd Llc (ga)
Classification: Benign. Last evaluated: 2014-12-04. Review status: criteria provided, single submitter. Criteria: EGL Classification Definitions 2015. Collection method: clinical testing. Allele origin: germline. Observed: 1 variant allele, 1 heterozygote.

Breakthrough Genomics
Classification: Benign. Review status: criteria provided, single submitter. Criteria: ACMG Guidelines, 2015. Collection method: not provided. Allele origin: germline. Inheritance: Autosomal recessive inheritance. Affected: yes.

PreventionGenetics, part of Exact Sciences
Classification: Benign for HSPG2-related condition. Last evaluated: 2019-04-15. Review status: no assertion criteria provided. Collection method: clinical testing. Allele origin: germline. Not counted in ClinVar's aggregate classification.
Comment: This variant is classified as benign based on ACMG/AMP sequence variant interpretation guidelines (Richards et al. 2015 PMID: 25741868, with internal and published modifications).

Genome Diagnostics Laboratory, University Medical Center Utrecht
Classification: Benign. Review status: no assertion criteria provided. Collection method: clinical testing. Allele origin: germline. Affected: yes. Study: VKGL Data-share Consensus. Not counted in ClinVar's aggregate classification.

Laboratory of Diagnostic Genome Analysis, Leiden University Medical Center (LUMC)
Classification: Likely benign. Review status: no assertion criteria provided. Collection method: clinical testing. Allele origin: germline. Affected: yes. Study: VKGL Data-share Consensus. Not counted in ClinVar's aggregate classification.

Literature cited by the submitters: PubMed 29970176 (cited by Athena Diagnostics); PubMed 25504735 (cited by Athena Diagnostics).